The following is an entry in ClinVar:

ClinVar aggregate classification (germline): Benign. Review status: criteria provided, multiple submitters, no conflicts (2 of 4 stars). 2 submissions from 2 submitters: Benign (2). Last evaluated 2018-06-14.

Allele frequency attached by ClinVar (database versions not stated): gnomAD exomes 0.00299; gnomAD 0.03182 and 0.03429; 1000 Genomes Project 0.03494; TOPMed 0.03712; 1000 Genomes Project 30x 0.03779.
gnomAD v4.1: 8,996 of 1,467,374 alleles (0.61%); highest among the groups gnomAD compares: African/African-American, 11%; 467 homozygotes.

Submissions (2):

GeneDx
Classification: Benign. Last evaluated: 2018-06-14. Review status: criteria provided, single submitter. Criteria: GeneDx Variant Classification (06012015). Collection method: clinical testing. Allele origin: germline. Affected: yes.
Comment: This variant is considered likely benign or benign based on one or more of the following criteria: it is a conservative change, it occurs at a poorly conserved position in the protein, it is predicted to be benign by multiple in silico algorithms, and/or has population frequency not consistent with disease.

Breakthrough Genomics
Classification: Benign. Review status: criteria provided, single submitter. Criteria: ACMG Guidelines, 2015. Collection method: not provided. Allele origin: germline. Inheritance: Autosomal recessive inheritance. Affected: yes.

NM_032578.4(MYPN):c.3659+87G>A

Gene: MYPN (myopalladin; plus strand). Cytogenetic location: 10q21.3.
Variant type: single nucleotide variant.
Coding change: c.3659+87G>A on transcript NM_032578.4 (MANE Select); 87 bases into the intron after coding-DNA position 3659, G replaced by A.
Molecular consequence: intron variant.
Genome position (GRCh38, 1-based): chr10:68,202,081, G>A. VCF-style: chr10-68202081-G-A. GRCh37 (hg19) VCF-style: chr10-69961838-G-A.
Other names: c.3659+87G>A (NM_001256267.2); c.2777+87G>A (NM_001256268.2).
Identifiers: ClinVar variation 675670 (VCV000675670.2), dbSNP rs71541554, ClinGen allele CA208228224.